The following is an entry in ClinVar:

NC_000023.10:g.(?_31382270)_(31986651_?)dup

Gene: DMD (dystrophin; minus strand). Cytogenetic location: Xp21.2-21.1.
Variant type: Duplication.
Identifiers: ClinVar variation 2424860 (VCV002424860.4).

ClinVar aggregate classification (germline): Uncertain significance (1 of 4 stars; one submission).

Conditions:
Duchenne muscular dystrophy (DMD). Also called: Duchenne Muscular Dystrophy (DMD); MUSCULAR DYSTROPHY, PSEUDOHYPERTROPHIC PROGRESSIVE, DUCHENNE TYPE. Identifiers: Orphanet 98896, MedGen C0013264, MONDO:0010679, OMIM 310200.

Submission:

Labcorp Genetics (formerly Invitae), Labcorp
Classification: Uncertain significance for Duchenne muscular dystrophy. Last evaluated: 2022-09-05. Review status: criteria provided, single submitter. Criteria: Invitae Variant Classification Sherloc (09022015). Collection method: clinical testing. Allele origin: germline.
Comment: This variant results in a copy number gain of the genomic region encompassing exon(s) 45-60 of the DMD gene. While the exact position of this variant cannot be determined from the data, sub-genic copy number gains are generally in tandem (PMID: 25640679). This variant is predicted to be in-frame, and likely preserves the integrity of the reading frame. A similar copy number variant has been observed in individual(s) with Duchene muscular dystrophy (PMID: 21515508). Experimental studies and prediction algorithms are not available or were not evaluated, and the functional significance of this variant is currently unknown. In summary, the available evidence is currently insufficient to determine the role of this variant in disease. Therefore, it has been classified as a Variant of Uncertain Significance.

Literature cited by the submitters: PubMed 25640679; PubMed 21515508.